The following is an entry in ClinVar:

NM_182931.3(KMT2E):c.2488G>T (p.Ala830Ser)

Gene: KMT2E (lysine methyltransferase 2E (inactive); plus strand). Cytogenetic location: 7q22.3.
Variant type: single nucleotide variant.
Coding change: c.2488G>T on transcript NM_182931.3 (MANE Select); coding-DNA position 2488, G replaced by T.
Protein change: p.Ala830Ser; replaces alanine 830 with serine.
Molecular consequence: missense variant.
Genome position (GRCh38, 1-based): chr7:105,105,895, G>T. VCF-style: chr7-105105895-G-T. GRCh37 (hg19) VCF-style: chr7-104746342-G-T.
Other names: c.2488G>T, p.Ala830Ser (NM_001410908.1, NM_018682.4); short protein forms A830S.
Identifiers: ClinVar variation 2867081 (VCV002867081.3), dbSNP rs2536504010, ClinGen allele CA368786530.
Genomic context (GRCh38, chr7:105,105,895, plus strand): 5'-ATTCATGTATTCTGTTTTATTCAGCGATGGTTGAAACAAGCTCTGGAAGAAGAAAATTCA[G>T]CAATTTTACATAGATTTAATTCACCCTGTCAAGAAAGATCCAGAAGTCCTGCAGTCAATG-3'
Protein context (NP_891847.1, residues 820-840): LKQALEEENS[Ala830Ser]ILHRFNSPCQ

ClinVar aggregate classification (germline): Uncertain significance (1 of 4 stars; one submission).

Submission:

Labcorp Genetics (formerly Invitae), Labcorp
Classification: Uncertain significance. Last evaluated: 2023-05-22. Review status: criteria provided, single submitter. Criteria: Invitae Variant Classification Sherloc (09022015). Collection method: clinical testing. Allele origin: germline.
Comment: Advanced modeling of protein sequence and biophysical properties (such as structural, functional, and spatial information, amino acid conservation, physicochemical variation, residue mobility, and thermodynamic stability) performed at Invitae indicates that this missense variant is not expected to disrupt KMT2E protein function. In summary, the available evidence is currently insufficient to determine the role of this variant in disease. Therefore, it has been classified as a Variant of Uncertain Significance. This variant has not been reported in the literature in individuals affected with KMT2E-related conditions. This variant is not present in population databases (gnomAD no frequency). This sequence change replaces alanine, which is neutral and non-polar, with serine, which is neutral and polar, at codon 830 of the KMT2E protein (p.Ala830Ser).